The following is an entry in ClinVar:

NM_001354483.2(CSGALNACT1):c.901T>A (p.Phe301Ile)

Gene: CSGALNACT1 (chondroitin sulfate N-acetylgalactosaminyltransferase 1; minus strand). Cytogenetic location: 8p21.3.
Variant type: single nucleotide variant.
Coding change: c.901T>A on transcript NM_001354483.2 (MANE Select); coding-DNA position 901, T replaced by A.
Protein change: p.Phe301Ile; replaces phenylalanine 301 with isoleucine.
Molecular consequence: missense variant. On other transcripts: non-coding transcript variant (7).
Genome position (GRCh38, 1-based): chr8:19,439,882, A>T on the plus strand (T>A on the coding strand, the complement: CSGALNACT1 is on the minus strand). VCF-style: chr8-19439882-A-T. GRCh37 (hg19) VCF-style: chr8-19297393-A-T.
Other names: c.901T>A, p.Phe301Ile (NM_001130518.2, NM_001354475.2, NM_001354476.2 and 18 more transcripts); short protein forms F301I.
Identifiers: ClinVar variation 3347231 (VCV003347231.1).
Genomic context (GRCh38, chr8:19,439,882, plus strand): 5'-GTACTCACTTGGAAGTGTTTTCAAGTATTCCTTTGACTTCATTTATTTCTTCTTTCCCAA[A>T]GTAAACAACAGTGAGATGGACTCTCCCATCCTGCTCAATGCACATCTCCCTGGAAAACAA-3'
Protein context (NP_001341412.1, residues 291-311): DGRVHLTVVY[Phe301Ile]GKEEINEVKG

ClinVar aggregate classification (germline): Uncertain significance (0 of 4 stars; one submission).

Conditions:
CSGALNACT1-related disorder. Also called: CSGALNACT1-related condition.

gnomAD v4.1: 2 of 1,614,078 alleles (0.00012%); highest among the groups gnomAD compares: African/African-American, 0.0027%; no homozygotes.

Submission:

PreventionGenetics, part of Exact Sciences
Classification: Uncertain significance for CSGALNACT1-related condition. Last evaluated: 2024-05-15. Review status: no assertion criteria provided. Collection method: clinical testing. Allele origin: germline.
Comment: The CSGALNACT1 c.901T>A variant is predicted to result in the amino acid substitution p.Phe301Ile. To our knowledge, this variant has not been reported in the literature or in a large population database, indicating this variant is rare. At this time, the clinical significance of this variant is uncertain due to the absence of conclusive functional and genetic evidence.